The following is an entry in ClinVar:

ClinVar aggregate classification (germline): Pathogenic (1 of 4 stars; one submission).

Submission:

Athena Diagnostics
Classification: Pathogenic. Last evaluated: 2022-08-09. Review status: criteria provided, single submitter. Criteria: Athena Diagnostics Criteria. Collection method: clinical testing. Allele origin: unknown.
Comment: This variant is expected to result in the loss of a functional protein. This variant has been identified in at least one individual with clinical features associated with this gene. This variant has not been reported in large, multi-ethnic general populations.

NM_014946.4(SPAST):c.1304_1310dup (p.Ile438fs)

Gene: SPAST (spastin; plus strand). Cytogenetic location: 2p22.3.
Variant type: Duplication.
Coding change: c.1304_1310dup on transcript NM_014946.4 (MANE Select); coding-DNA positions 1304 to 1310, 7 bases duplicated (CTTCTAT; older notation c.1304_1310dupCTTCTAT).
Protein change: p.Ile438fs; shifts the reading frame from isoleucine 438.
Molecular consequence: frameshift variant.
Genome position (GRCh38, 1-based): chr2:32,136,621-32,136,627, CTTCTAT duplicated. VCF-style (leftmost placement, unchanged base first): chr2-32136620-C-CCTTCTAT. GRCh37 (hg19) VCF-style: chr2-32361689-C-CCTTCTAT.
Other names: c.1301_1307dup, p.Ile437fs (NM_001363823.2); c.1205_1211dup, p.Ile405fs (NM_001363875.2); c.1208_1214dup, p.Ile406fs (NM_001377959.1, NM_199436.2); short protein forms I405fs, I406fs, I437fs, I438fs.
Identifiers: ClinVar variation 2684010 (VCV002684010.1), dbSNP rs2465883194, ClinGen allele CA2697547952.